The following is an entry in ClinVar:

NM_033004.4(NLRP1):c.3041G>T (p.Arg1014Ile)

Gene: NLRP1 (NLR family pyrin domain containing 1; minus strand). Cytogenetic location: 17p13.2.
Variant type: single nucleotide variant.
Coding change: c.3041G>T on transcript NM_033004.4 (MANE Select); coding-DNA position 3041, G replaced by T.
Protein change: p.Arg1014Ile; replaces arginine 1014 with isoleucine.
Molecular consequence: missense variant.
Genome position (GRCh38, 1-based): chr17:5,533,908, C>A on the plus strand (G>T on the coding strand, the complement: NLRP1 is on the minus strand). VCF-style: chr17-5533908-C-A. GRCh37 (hg19) VCF-style: chr17-5437228-C-A.
Other names: c.3041G>T, p.Arg1014Ile (NM_001033053.3, NM_014922.5); c.2951G>T, p.Arg984Ile (NM_033006.4, NM_033007.4); short protein forms R984I, R1014I.
Identifiers: ClinVar variation 3672168 (VCV003672168.2).

ClinVar aggregate classification (germline): Uncertain significance (1 of 4 stars; one submission).

gnomAD v4.1: 17 of 1,610,662 alleles (0.0011%); highest among the groups gnomAD compares: African/African-American, 0.0013%; no homozygotes.

Submission:

Labcorp Genetics (formerly Invitae), Labcorp
Classification: Uncertain significance. Last evaluated: 2025-03-10. Review status: criteria provided, single submitter. Criteria: Invitae Variant Classification Sherloc (09022015). Collection method: clinical testing. Allele origin: germline.
Comment: This sequence change replaces arginine, which is basic and polar, with isoleucine, which is neutral and non-polar, at codon 1014 of the NLRP1 protein (p.Arg1014Ile). This variant is not present in population databases (gnomAD no frequency). This variant has not been reported in the literature in individuals affected with NLRP1-related conditions. An algorithm developed to predict the effect of missense changes on protein structure and function (PolyPhen-2) suggests that this variant is likely to be disruptive. In summary, the available evidence is currently insufficient to determine the role of this variant in disease. Therefore, it has been classified as a Variant of Uncertain Significance.